The following is an entry in ClinVar:

NM_000179.3(MSH6):c.3823T>A (p.Cys1275Ser)

Gene: MSH6 (mutS homolog 6; plus strand). Cytogenetic location: 2p16.3.
Variant type: single nucleotide variant.
Coding change: c.3823T>A on transcript NM_000179.3 (MANE Select); coding-DNA position 3823, T replaced by A.
Protein change: p.Cys1275Ser; replaces cysteine 1275 with serine.
Molecular consequence: missense variant.
Genome position (GRCh38, 1-based): chr2:47,806,473, T>A. VCF-style: chr2-47806473-T-A. GRCh37 (hg19) VCF-style: chr2-48033612-T-A.
Other names: c.3433T>A, p.Cys1145Ser (NM_001281492.2); c.2917T>A, p.Cys973Ser (NM_001281493.2, NM_001281494.2); short protein forms C1275S, C973S, C1145S.
Identifiers: ClinVar variation 1461792 (VCV001461792.10), dbSNP rs1670094883, ClinGen allele CA346761254.
Genomic context (GRCh38, chr2:47,806,473, plus strand): 5'-TTGCTAGCACATGTATCGCTAATATTTTTCTTTCTTAAGGCATGCATGGTAGAAAATGAA[T>A]GTGAAGACCCCAGCCAGGAGACTATTACGTTCCTCTATAAATTCATTAAGGGAGCTTGTC-3'
Protein context (NP_000170.1, residues 1265-1285): GHMACMVENE[Cys1275Ser]EDPSQETITF

ClinVar aggregate classification (germline): Uncertain significance. Review status: criteria provided, multiple submitters, no conflicts (2 of 4 stars). 4 submissions from 4 submitters: Uncertain significance (4). Last evaluated 2025-12-08.

Conditions:
Hereditary cancer-predisposing syndrome. Also called: Tumor predisposition; Hereditary neoplastic syndrome; Hereditary Cancer Syndrome; Neoplastic Syndromes, Hereditary. Identifiers: Orphanet 140162, MedGen C0027672, MeSH D009386, MONDO:0015356.
Hereditary nonpolyposis colorectal neoplasms. Identifiers: MedGen C0009405, MeSH D003123.
Lynch syndrome. Identifiers: Orphanet 144, MedGen C4552100, MONDO:0005835. Disease mechanism: loss of function.

Submissions (4):

Labcorp Genetics (formerly Invitae), Labcorp
Classification: Uncertain significance for Hereditary nonpolyposis colorectal neoplasms. Last evaluated: 2025-12-08. Review status: criteria provided, single submitter. Criteria: Invitae Variant Classification Sherloc (09022015). Collection method: clinical testing. Allele origin: germline.
Comment: This sequence change replaces cysteine, which is neutral and slightly polar, with serine, which is neutral and polar, at codon 1275 of the MSH6 protein (p.Cys1275Ser). This variant is not present in population databases (gnomAD no frequency). This variant has not been reported in the literature in individuals affected with MSH6-related conditions. ClinVar contains an entry for this variant (Variation ID: 1461792). Invitae Evidence Modeling of protein sequence and biophysical properties (such as structural, functional, and spatial information, amino acid conservation, physicochemical variation, residue mobility, and thermodynamic stability) indicates that this missense variant is not expected to disrupt MSH6 protein function with a negative predictive value of 95%. In summary, the available evidence is currently insufficient to determine the role of this variant in disease. Therefore, it has been classified as a Variant of Uncertain Significance.

Molecular Diagnostics Laboratory, Catalan Institute of Oncology
Classification: Uncertain significance for Hereditary cancer-predisposing syndrome. Last evaluated: 2025-04-23. Review status: criteria provided, single submitter. Criteria: ClinGen CRC ACMG Specifications MSH6 V1.0.0. Collection method: clinical testing. Allele origin: germline.
Comment: PM2_Supporting, BP4 c.3823T>A, located in exon 9 of the MSH6 gene, is predicted to result in the substitution of Cysteine by Serine at codon 1275, p.(Cys1275Ser). It is not present in the population database gnomAD v4.1.0 (PM2_supporting). Computational tools for this variant suggests no significant impact on splicing and does not affect the protein function (MAPP+PolyPhen-2 prior probability for pathogenicity: 0.002) (BP4). To our knowledge, neither relevant clinical data nor well-stablished functional studies have been reported for this variant. It has only been reported twice in ClinVar, as an uncertain significance variant. Based on the currently available information, c.3823T>A is classified as an uncertain significance variant according to ClinGen-MSH6 Guidelines version 1.1.0

All of Us Research Program, National Institutes of Health
Classification: Uncertain significance for Lynch syndrome. Last evaluated: 2023-08-15. Review status: criteria provided, single submitter. Criteria: ACMG Guidelines, 2015. Collection method: clinical testing. Allele origin: germline. Inheritance: Autosomal dominant inheritance. Observed: 1 variant allele, 1 heterozygote.
Comment: This missense variant replaces cysteine with serine at codon 1275 of the MSH6 protein. Computational prediction suggests that this variant may not impact protein structure and function (internally defined REVEL score threshold <= 0.5, PMID: 27666373). To our knowledge, functional studies have not been reported for this variant. This variant has not been reported in individuals affected with MSH6-related disorders in the literature. This variant has not been identified in the general population by the Genome Aggregation Database (gnomAD). The available evidence is insufficient to determine the role of this variant in disease conclusively. Therefore, this variant is classified as a Variant of Uncertain Significance.

This study involves interpretation of variants in research participants for the purpose of population health screening. Participant phenotype was not available at the time of variant classification. Additional details can be found in publication PMID: 35346344, PMCID: PMC8962531

Ambry Genetics
Classification: Uncertain significance for Hereditary cancer-predisposing syndrome. Last evaluated: 2022-09-08. Review status: criteria provided, single submitter. Criteria: Ambry Variant Classification Scheme 2023. Collection method: clinical testing. Allele origin: germline.
Comment: The p.C1275S variant (also known as c.3823T>A), located in coding exon 9 of the MSH6 gene, results from a T to A substitution at nucleotide position 3823. The cysteine at codon 1275 is replaced by serine, an amino acid with dissimilar properties. This amino acid position is not well conserved in available vertebrate species, and serine is the reference amino acid in other vertebrate species. In addition, the in silico prediction for this alteration is inconclusive. Since supporting evidence is limited at this time, the clinical significance of this alteration remains unclear.